The following is an entry in ClinVar:

ClinVar aggregate classification (germline): Likely pathogenic. Review status: criteria provided, multiple submitters, no conflicts (2 of 4 stars). 2 submissions from 2 submitters: Likely pathogenic (2). Last evaluated 2020-03-09.

Conditions:
Dilated cardiomyopathy 1G (CMD1G). Identifiers: Orphanet 154, MedGen C1858763, MONDO:0011400, OMIM 604145.
Autosomal recessive limb-girdle muscular dystrophy type 2J (LGMDR10). Also called: MUSCULAR DYSTROPHY, LIMB-GIRDLE, AUTOSOMAL RECESSIVE 10; Limb-girdle muscular dystrophy, type 2J. Identifiers: Orphanet 140922, MedGen C1837342, MONDO:0012127, OMIM 608807.

Submissions (2):

Labcorp Genetics (formerly Invitae), Labcorp
Classification: Likely pathogenic for Dilated cardiomyopathy 1G; Autosomal recessive limb-girdle muscular dystrophy type 2J. Last evaluated: 2020-03-09. Review status: criteria provided, single submitter. Criteria: Invitae Variant Classification Sherloc (09022015). Collection method: clinical testing. Allele origin: germline.
Comment: In summary, the currently available evidence indicates that the variant is pathogenic, but additional data are needed to prove that conclusively. Therefore, this variant has been classified as Likely Pathogenic. This variant is located in the A band of TTN (PMID: 25589632). Truncating variants in this region are significantly overrepresented in patients affected with dilated cardiomyopathy (PMID: 25589632). Truncating variants in this region have also been reported in individuals affected with autosomal recessive centronuclear myopathy (PMID: 23975875). This variant has not been reported in the literature in individuals with TTN-related conditions. ClinVar contains an entry for this variant (Variation ID: 423681). This variant is not present in population databases (ExAC no frequency). This sequence change results in a premature translational stop signal in the TTN gene (p.Asp26427Thrfs*8). While this is not anticipated to result in nonsense mediated decay, it is expected to create a truncated TTN protein.

GeneDx
Classification: Likely pathogenic. Last evaluated: 2017-09-08. Review status: criteria provided, single submitter. Criteria: GeneDx Variant Classification (06012015). Collection method: clinical testing. Allele origin: germline. Affected: yes.
Comment: The c.74355delA likely pathogenic variant in the TTN gene has not been previously reported as pathogenic or benign to our knowledge. This variant causes a shift in reading frame starting at codon aspartate 24,786, changing it to a threonine, and creating a premature stop codon at position eight of the new reading frame, denoted p.D24786TfsX8. This likely pathogenic variant is expected to result in either an abnormal, truncated protein product or loss of protein from this allele through nonsense-mediated mRNA decay. Although other truncating TTN variants have been reported in approximately 3% of control alleles, c.74355delA is located in the A-band region of titin, where the majority of truncating pathogenic variants associated with DCM have been reported (Herman et al., 2012). Furthermore, c.74355delA is not observed in large population cohorts (Lek et al., 2016; 1000 Genomes Consortium et al., 2015; Exome Variant Server). In summary, 74355delA in the TTN gene is interpreted as a likely pathogenic variant.

Literature cited by the submitters: PubMed 25589632 (cited by Labcorp Genetics (formerly Invitae), Labcorp); PubMed 23975875 (cited by Labcorp Genetics (formerly Invitae), Labcorp).

NM_001267550.2(TTN):c.79278del (p.Asp26427fs)

Genes: TTN-AS1 (TTN antisense RNA 1; plus strand), TTN (titin; minus strand). Cytogenetic location: 2q31.2.
Variant type: Deletion.
Coding change: c.79278del on transcript NM_001267550.2 (MANE Select); coding-DNA position 79278, one base deleted (A; older notation c.79278delA).
Protein change: p.Asp26427fs; shifts the reading frame from aspartic acid 26427.
Molecular consequence: frameshift variant.
Genome position (GRCh38, 1-based): chr2:178,566,854, T deleted on the plus strand (A on the coding strand, the reverse complement: TTN is on the minus strand). VCF-style (leftmost placement, unchanged base first): chr2-178566853-CT-C. GRCh37 (hg19) VCF-style: chr2-179431580-CT-C.
Other names: c.74355del, p.Asp24786fs (NM_001256850.1); c.52083del, p.Asp17362fs (NM_003319.4); c.71574del, p.Asp23859fs (NM_133378.4); c.52458del, p.Asp17487fs (NM_133432.3); c.52659del, p.Asp17554fs (NM_133437.4); c.74355delA (NM_001256850.1); short protein forms D17554fs, D23859fs, D17362fs, D26427fs, D17487fs, D24786fs.
Identifiers: ClinVar variation 423681 (VCV000423681.12), dbSNP rs1064796574, ClinGen allele CA16617348.